The following is an entry in ClinVar:

ClinVar aggregate classification (germline): Benign/Likely benign. Review status: criteria provided, multiple submitters, no conflicts (2 of 4 stars). 3 submissions from 3 submitters: Benign (1); Likely benign (2). Last evaluated 2025-03-11.

Conditions:
Renal cell carcinoma. Identifiers: Orphanet 217071, MedGen C0007134, MeSH D002292, MONDO:0005086, HP:0005584.
Hereditary cancer-predisposing syndrome. Also called: Hereditary Cancer Syndrome; Hereditary neoplastic syndrome; Neoplastic Syndromes, Hereditary; Tumor predisposition. Identifiers: Orphanet 140162, MedGen C0027672, MeSH D009386, MONDO:0015356.
Papillary renal cell carcinoma type 1 (RCCP1). Also called: Renal adenocarcinoma; Renal cell carcinoma 1; Renal cell carcinoma, somatic; RENAL CELL CARCINOMA, PAPILLARY, 1, SOMATIC. Identifiers: Orphanet 47044, MedGen C1336839, OMIM 605074, HP:0011797.

Submissions (3):

Labcorp Genetics (formerly Invitae), Labcorp
Classification: Likely benign for Renal cell carcinoma. Last evaluated: 2025-03-11. Review status: criteria provided, single submitter. Criteria: Invitae Variant Classification Sherloc (09022015). Collection method: clinical testing. Allele origin: germline.

Myriad Genetics, Inc.
Classification: Benign for Papillary renal cell carcinoma type 1. Last evaluated: 2024-11-13. Review status: criteria provided, single submitter. Criteria: Myriad Autosomal Dominant, Autosomal Recessive and X-Linked Classification Criteria (2023). Collection method: clinical testing. Allele origin: unknown.
Comment: This variant is considered benign. This variant is a silent/synonymous amino acid change and it is not expected to impact splicing.

Ambry Genetics
Classification: Likely benign for Hereditary cancer-predisposing syndrome. Last evaluated: 2019-09-23. Review status: criteria provided, single submitter. Criteria: Ambry Variant Classification Scheme 2023. Collection method: clinical testing. Allele origin: germline.

NM_000245.4(MET):c.3345C>T (p.Ile1115=)

Gene: MET (MET proto-oncogene, receptor tyrosine kinase; plus strand). Cytogenetic location: 7q31.2.
Variant type: single nucleotide variant.
Coding change: c.3345C>T on transcript NM_000245.4 (MANE Select); coding-DNA position 3345, C replaced by T.
Protein change: p.Ile1115=; no amino-acid change (isoleucine 1115 retained).
Molecular consequence: synonymous variant.
Genome position (GRCh38, 1-based): chr7:116,778,780, C>T. VCF-style: chr7-116778780-C-T. GRCh37 (hg19) VCF-style: chr7-116418834-C-T.
Other names: c.3399C>T (LRG_662t1); c.3399C>T, p.Ile1133= (NM_001127500.3); c.2055C>T, p.Ile685= (NM_001324402.2).
Identifiers: ClinVar variation 454238 (VCV000454238.14), dbSNP rs1554399534, ClinGen allele CA457218670.